The following continues an entry in ClinVar:

NM_000077.5(CDKN2A):c.325G>C (p.Ala109Pro)

Gene: CDKN2A. ClinVar aggregate classification (germline): Uncertain significance. Uncertain significance (12).

Submissions 10 to 12 of 12:

Women's Health and Genetics/Laboratory Corporation of America, LabCorp
Classification: Uncertain significance. Last evaluated: 2022-07-14. Review status: criteria provided, single submitter. Criteria: LabCorp Variant Classification Summary - May 2015. Collection method: clinical testing. Allele origin: germline.
Comment: Variant summary: CDKN2A c.325G>C (p.Ala109Pro) results in a non-conservative amino acid change located in the Ankyrin repeat-containing domain (IPR020683) of the encoded protein sequence. Three of five in-silico tools predict a benign effect of the variant on protein function. The variant allele was found at a frequency of 1.7e-05 in 236600 control chromosomes. The available data on variant occurrences in the general population are insufficient to allow any conclusion about variant significance. To our knowledge, no occurrence of c.325G>C in individuals affected with Cutaneous Malignant Melanoma has been reported. At least one publication reports experimental evidence evaluating an impact on protein function reporting a failure to inhibit proliferation and cell cycle progression in culture resulting in a classification as "functionally deleterious" in-vitro (Kimura_2022). However, the data as presented do not allow convincing conclusions on residual activity and therefore, about the variant effect. Six clinical diagnostic laboratories have submitted clinical-significance assessments for this variant to ClinVar after 2014 without evidence for independent evaluation. All laboratories classified the variant as uncertain significance. Based on the evidence outlined above, the variant was classified as uncertain significance.

St. Jude Molecular Pathology, St. Jude Children's Research Hospital
Classification: Uncertain significance for Melanoma-pancreatic cancer syndrome. Last evaluated: 2022-03-22. Review status: criteria provided, single submitter. Criteria: St. Jude Assertion Criteria 2020. Collection method: clinical testing. Allele origin: germline.
Comment: The CDKN2A c.325G>C (p.Ala109Pro) missense change has a maximum subpopulation frequency of 0.013% in gnomAD v2.1.1. In silico tools are not in agreement about the effect of this variant on protein function, but to our knowledge these predictions have not been confirmed by functional assays. To our knowledge, this variant has not been reported in individuals with melanoma or pancreatic cancer. In summary, this variant meets criteria to be classified as of uncertain significance based on the ACMG/AMP criteria applied: no criteria met.

Revvity Omics, Revvity
Classification: Uncertain significance. Last evaluated: 2022-01-27. Review status: criteria provided, single submitter. Criteria: ACMG Guidelines, 2015. Collection method: clinical testing. Allele origin: germline.

Literature cited by the submitters: PubMed 35001868 (cited by 4 submitters); PubMed 35980532 (cited by Quest Diagnostics Nichols Institute San Juan Capistrano); PubMed 31911633 (cited by Quest Diagnostics Nichols Institute San Juan Capistrano); PubMed 27756164 (cited by Women's Health and Genetics/Laboratory Corporation of America, LabCorp); PubMed 27960642 (cited by Women's Health and Genetics/Laboratory Corporation of America, LabCorp); PubMed 28765326 (cited by Women's Health and Genetics/Laboratory Corporation of America, LabCorp); PubMed 9166859 (cited by Women's Health and Genetics/Laboratory Corporation of America, LabCorp); PubMed 16818274 (cited by Women's Health and Genetics/Laboratory Corporation of America, LabCorp); PubMed 18519632 (cited by Women's Health and Genetics/Laboratory Corporation of America, LabCorp); PubMed 7718873 (cited by Women's Health and Genetics/Laboratory Corporation of America, LabCorp).